The following is an entry in ClinVar:

ClinVar aggregate classification (germline): Benign (0 of 4 stars; one submission).

Conditions:
MYO7B-related disorder. Also called: MYO7B-related condition.

Allele frequency attached by ClinVar (database versions not stated): 1000 Genomes Project 0.00699; 1000 Genomes Project 30x 0.00734; gnomAD 0.00912; ExAC 0.01008; TOPMed 0.01013; ESP Exome Variant Server 0.01094.
gnomAD v4.1: 20,617 of 1,610,198 alleles (1.3%); highest among the groups gnomAD compares: Middle Eastern, 2.7%; 181 homozygotes.

Submission:

PreventionGenetics, part of Exact Sciences
Classification: Benign for MYO7B-related condition. Last evaluated: 2019-02-20. Review status: no assertion criteria provided. Collection method: clinical testing. Allele origin: germline.
Comment: This variant is classified as benign based on ACMG/AMP sequence variant interpretation guidelines (Richards et al. 2015 PMID: 25741868, with internal and published modifications).

NM_001393586.1(MYO7B):c.6123+9T>C

Gene: MYO7B (myosin VIIB; plus strand). Cytogenetic location: 2q14.3.
Variant type: single nucleotide variant.
Coding change: c.6123+9T>C on transcript NM_001393586.1 (MANE Select); 9 bases into the intron after coding-DNA position 6123, T replaced by C.
Molecular consequence: intron variant.
Genome position (GRCh38, 1-based): chr2:127,636,333, T>C. VCF-style: chr2-127636333-T-C. GRCh37 (hg19) VCF-style: chr2-128393908-T-C.
Other names: c.6045+9T>C (NM_001080527.2); c.2604+9T>C (NM_001393594.1).
Identifiers: ClinVar variation 3043857 (VCV003043857.2), dbSNP rs115299938, ClinGen allele CA1862540.
Genomic context (GRCh38, chr2:127,636,333, plus strand): 5'-GAAGTGGATCTGCCGGTGGCCCACCTTCGGATCCGCCTTCTTCGAGGTGAAGGTAAACCT[T>C]GCCCCACGCCAGGGCCTCCTACCCAAGCAGGCTCCGCTCAGCCCAGCCCCAGCAGGCCCA-3'